The following is an entry in ClinVar:

NM_000352.6(ABCC8):c.3736T>C (p.Trp1246Arg)

Gene: ABCC8 (ATP binding cassette subfamily C member 8; minus strand). Cytogenetic location: 11p15.1.
Variant type: single nucleotide variant.
Coding change: c.3736T>C on transcript NM_000352.6 (MANE Select); coding-DNA position 3736, T replaced by C.
Protein change: p.Trp1246Arg; replaces tryptophan 1246 with arginine.
Molecular consequence: missense variant. On other transcripts: non-coding transcript variant (1).
Genome position (GRCh38, 1-based): chr11:17,398,356, A>G on the plus strand (T>C on the coding strand, the complement: ABCC8 is on the minus strand). VCF-style: chr11-17398356-A-G. GRCh37 (hg19) VCF-style: chr11-17419903-A-G.
Other names: c.3739T>C, p.Trp1247Arg (NM_001287174.3); c.3802T>C, p.Trp1268Arg (NM_001351295.2); c.3736T>C, p.Trp1246Arg (NM_001351296.2); c.3733T>C, p.Trp1245Arg (NM_001351297.2); short protein forms W1246R, W1247R, W1245R, W1268R.
Identifiers: ClinVar variation 556225 (VCV000556225.12), dbSNP rs1554906790, ClinGen allele CA379794040.

ClinVar aggregate classification (germline): Conflicting classifications of pathogenicity. Review status: criteria provided, conflicting classifications (1 of 4 stars). 5 submissions from 4 submitters: Likely pathogenic (2); Uncertain significance (2). 1 of the submissions does not count toward it. Last evaluated 2023-07-31.

Conditions:
Type 2 diabetes mellitus. Also called: Type II diabetes mellitus. Identifiers: MedGen C0011860, MeSH D003924, MONDO:0005148, OMIM 125853, HP:0005978.
Maturity-onset diabetes of the young (MODY). Also called: Maturity onset diabetes mellitus in young. Identifiers: Orphanet 552, MedGen C0342276, MONDO:0018911, HP:0004904.
Hyperinsulinemic hypoglycemia, familial, 1 (HHF1). Also called: HYPERINSULINISM, FAMILIAL, WITH PANCREATIC NESIDIOBLASTOSIS; HYPOGLYCEMIA, HYPERINSULINEMIC, OF INFANCY; Persistent hyperinsulinemic hypoglycemia of infancy; NESIDIOBLASTOSIS OF PANCREAS; Persistent Hyperinsulinemia Hypoglycemia of Infancy. Identifiers: Orphanet 276575, Orphanet 276598, MedGen C2931832, MONDO:0009734, OMIM 256450.
Transitory neonatal diabetes mellitus. Also called: Transient neonatal diabetes mellitus. Identifiers: MedGen C0342273, MONDO:0020525, HP:0008255.

Allele frequency attached by ClinVar (database versions not stated): gnomAD exomes below 0.00001.
gnomAD v4.1: 1 of 1,614,152 alleles (0.000062%); highest among the groups gnomAD compares: Non-Finnish European, 0.000085%; no homozygotes.

Submissions (5):

Baylor Genetics
Classification: Likely pathogenic for Type 2 diabetes mellitus. Last evaluated: 2023-07-31. Review status: criteria provided, single submitter. Criteria: ACMG Guidelines, 2015. Collection method: clinical testing. Allele origin: unknown.

Labcorp Genetics (formerly Invitae), Labcorp
Classification: Likely pathogenic. Last evaluated: 2020-09-21. Review status: criteria provided, single submitter. Criteria: Invitae Variant Classification Sherloc (09022015). Collection method: clinical testing. Allele origin: germline.
Comment: This missense change has been observed in individual(s) with congenital hyperinsulinism (PMID: 30352420, 24401662). ClinVar contains an entry for this variant (Variation ID: 556225). This variant is not present in population databases (ExAC no frequency). This sequence change replaces tryptophan with arginine at codon 1246 of the ABCC8 protein (p.Trp1246Arg). The tryptophan residue is highly conserved and there is a moderate physicochemical difference between tryptophan and arginine. Advanced modeling of protein sequence and biophysical properties (such as structural, functional, and spatial information, amino acid conservation, physicochemical variation, residue mobility, and thermodynamic stability) performed at Invitae indicates that this missense variant is expected to disrupt ABCC8 protein function. In summary, the currently available evidence indicates that the variant is pathogenic, but additional data are needed to prove that conclusively. Therefore, this variant has been classified as Likely Pathogenic.

Clinical Genomics, Uppaluri K&H Personalized Medicine Clinic
Classification: Uncertain significance for Maturity-onset diabetes of the young. Review status: criteria provided, single submitter. Criteria: K & H Uppaluri Personalized Medicine Clinic Variant Classification & Assertion Criteria_Updated V.1. Collection method: research. Allele origin: somatic. Inheritance: Somatic mutation.
Comment: Mutations in ABCC8 gene are associated with both neonatal diabetes mellitus as well as MODY. Patients with this mutation may have a better response to sulfonylureas. However, no sufficient evidence is found to ascertain the role of this particular variant (rs1554906790) in MODY yet.

Clinical Genomics, Uppaluri K&H Personalized Medicine Clinic
Classification: Uncertain significance for Transitory neonatal diabetes mellitus. Review status: criteria provided, single submitter. Criteria: K & H Uppaluri Personalized Medicine Clinic Variant Classification & Assertion Criteria_Updated V.1. Collection method: research. Allele origin: somatic. Inheritance: Somatic mutation.
Comment: Mutations in ABCC8 gene are associated with both neonatal diabetes mellitus as well as MODY. Patients with this mutation may have a better response to sulfonylureas. However, no sufficient evidence is found to ascertain the role of this particular variant (rs1554906790) in neonatal diabetes yet.

Counsyl
Classification: Uncertain significance for Hyperinsulinemic hypoglycemia, familial, 1. Last evaluated: 2018-01-19. Review status: no assertion criteria provided. Collection method: clinical testing. Allele origin: unknown. Not counted in ClinVar's aggregate classification.

Literature cited by the submitters: PubMed 30352420 (cited by Labcorp Genetics (formerly Invitae), Labcorp); PubMed 24401662 (cited by Labcorp Genetics (formerly Invitae), Labcorp); PubMed 16885549 (cited by Clinical Genomics, Uppaluri K&H Personalized Medicine Clinic); PubMed 21989597 (cited by Clinical Genomics, Uppaluri K&H Personalized Medicine Clinic); PubMed 27538677 (cited by Clinical Genomics, Uppaluri K&H Personalized Medicine Clinic); PubMed 18981553 (cited by Clinical Genomics, Uppaluri K&H Personalized Medicine Clinic); PubMed 32027066 (cited by Clinical Genomics, Uppaluri K&H Personalized Medicine Clinic); PubMed 16613899 (cited by Clinical Genomics, Uppaluri K&H Personalized Medicine Clinic); PubMed 18025408 (cited by Clinical Genomics, Uppaluri K&H Personalized Medicine Clinic); PubMed 32792356 (cited by Clinical Genomics, Uppaluri K&H Personalized Medicine Clinic).